The following is an entry in ClinVar:

NM_000257.4(MYH7):c.91T>A (p.Phe31Ile)

Gene: MYH7 (myosin heavy chain 7; minus strand). Cytogenetic location: 14q11.2.
Variant type: single nucleotide variant.
Coding change: c.91T>A on transcript NM_000257.4 (MANE Select); coding-DNA position 91, T replaced by A.
Protein change: p.Phe31Ile; replaces phenylalanine 31 with isoleucine.
Molecular consequence: missense variant.
Genome position (GRCh38, 1-based): chr14:23,433,642, A>T on the plus strand (T>A on the coding strand, the complement: MYH7 is on the minus strand). VCF-style: chr14-23433642-A-T. GRCh37 (hg19) VCF-style: chr14-23902851-A-T.
Other names: c.91T>A, p.Phe31Ile (NM_001407004.1); short protein forms F31I.
Identifiers: ClinVar variation 4820559 (VCV004820559.1).
Genomic context (GRCh38, chr14:23,433,642, plus strand): 5'-TCTTGGCCTTGACAAACTCCTGTTTGTCATCAGGCACGAAGACATCCTTCTTGAGGTCAA[A>T]AGGCCTGGTCTGCGCTTCTAGCCGCTCCTTCTCTGACTTGCGCAGGTAGGGGGCGGCAGC-3'
Protein context (NP_000248.2, residues 21-41): KERLEAQTRP[Phe31Ile]DLKKDVFVPD

ClinVar aggregate classification (germline): Uncertain significance (1 of 4 stars; one submission).

Conditions:
Cardiovascular phenotype. Identifiers: MedGen CN230736.

Submission:

Molecular Diagnostic Laboratory for Inherited Cardiovascular Disease, Montreal Heart Institute
Classification: Uncertain significance for Cardiovascular phenotype. Last evaluated: 2026-03-27. Review status: criteria provided, single submitter. Criteria: ACMG Guidelines, 2015. Collection method: clinical testing. Allele origin: germline. Affected: yes.
Comment: PM2, PP3